The following is an entry in ClinVar:

NM_032856.5(WDR73):c.847T>G (p.Trp283Gly)

Gene: WDR73 (WD repeat domain 73; minus strand). Cytogenetic location: 15q25.2.
Variant type: single nucleotide variant.
Coding change: c.847T>G on transcript NM_032856.5 (MANE Select); coding-DNA position 847, T replaced by G.
Protein change: p.Trp283Gly; replaces tryptophan 283 with glycine.
Molecular consequence: missense variant. On other transcripts: non-coding transcript variant (4).
Genome position (GRCh38, 1-based): chr15:84,645,507, A>C on the plus strand (T>G on the coding strand, the complement: WDR73 is on the minus strand). VCF-style: chr15-84645507-A-C. GRCh37 (hg19) VCF-style: chr15-85188738-A-C.
Other names: short protein forms W283G.
Identifiers: ClinVar variation 2015615 (VCV002015615.4), dbSNP rs2505370528, ClinGen allele CA393352848.

ClinVar aggregate classification (germline): Uncertain significance (1 of 4 stars; one submission).

Submission:

Labcorp Genetics (formerly Invitae), Labcorp
Classification: Uncertain significance. Last evaluated: 2025-09-02. Review status: criteria provided, single submitter. Criteria: Invitae Variant Classification Sherloc (09022015). Collection method: clinical testing. Allele origin: germline.
Comment: This sequence change replaces tryptophan, which is neutral and slightly polar, with glycine, which is neutral and non-polar, at codon 283 of the WDR73 protein (p.Trp283Gly). This variant is not present in population databases (gnomAD no frequency). This variant has not been reported in the literature in individuals affected with WDR73-related conditions. ClinVar contains an entry for this variant (Variation ID: 2015615). Invitae Evidence Modeling of protein sequence and biophysical properties (such as structural, functional, and spatial information, amino acid conservation, physicochemical variation, residue mobility, and thermodynamic stability) indicates that this missense variant is expected to disrupt WDR73 protein function with a positive predictive value of 80%. In summary, the available evidence is currently insufficient to determine the role of this variant in disease. Therefore, it has been classified as a Variant of Uncertain Significance.